The following is an entry in ClinVar:

ClinVar aggregate classification (germline): Likely benign. Review status: criteria provided, single submitter (1 of 4 stars). 2 submissions from 2 submitters: Likely benign (1). 1 of the submissions does not count toward it. Last evaluated 2024-11-15.

Conditions:
FGG-related disorder. Also called: FGG-related condition.

Allele frequency attached by ClinVar (database versions not stated): TOPMed below 0.00001; gnomAD 0.00001.
gnomAD v4.1: 1 of 1,613,552 alleles (0.000062%); highest among the groups gnomAD compares: Admixed American, 0.0017%; no homozygotes.

Submissions (2):

Blueprint Genetics
Classification: Likely benign. Last evaluated: 2024-11-15. Review status: criteria provided, single submitter. Criteria: ACMG Guidelines, 2015. Collection method: clinical testing. Allele origin: germline.

PreventionGenetics, part of Exact Sciences
Classification: Likely benign for FGG-related condition. Last evaluated: 2019-02-19. Review status: no assertion criteria provided. Collection method: clinical testing. Allele origin: germline. Not counted in ClinVar's aggregate classification.
Comment: This variant is classified as likely benign based on ACMG/AMP sequence variant interpretation guidelines (Richards et al. 2015 PMID: 25741868, with internal and published modifications).

NM_021870.3(FGG):c.720A>T (p.Gly240=)

Gene: FGG (fibrinogen gamma chain; minus strand). Cytogenetic location: 4q32.1.
Variant type: single nucleotide variant.
Coding change: c.720A>T on transcript NM_021870.3 (MANE Select); coding-DNA position 720, A replaced by T.
Protein change: p.Gly240=; no amino-acid change (glycine 240 retained).
Molecular consequence: synonymous variant.
Genome position (GRCh38, 1-based): chr4:154,608,597, T>A on the plus strand (A>T on the coding strand, the complement: FGG is on the minus strand). VCF-style: chr4-154608597-T-A. GRCh37 (hg19) VCF-style: chr4-155529749-T-A.
Other names: c.720A>T, p.Gly240= (NM_000509.6).
Identifiers: ClinVar variation 3057893 (VCV003057893.3), dbSNP rs937512126, ClinGen allele CA108775457.